The following is an entry in ClinVar:

NM_001042492.3(NF1):c.46C>G (p.Arg16Gly)

Genes: MIR4733HG (MIR4733 host gene; minus strand), NF1 (neurofibromin 1; plus strand), LOC111811965 (NF1 (neurofibromin 1) promoter region; plus strand). Cytogenetic location: 17q11.2.
Variant type: single nucleotide variant.
Coding change: c.46C>G on transcript NM_001042492.3 (MANE Select); coding-DNA position 46, C replaced by G.
Protein change: p.Arg16Gly; replaces arginine 16 with glycine.
Molecular consequence: missense variant. On other transcripts: non-coding transcript variant (1).
Genome position (GRCh38, 1-based): chr17:31,095,355, C>G. VCF-style: chr17-31095355-C-G. GRCh37 (hg19) VCF-style: chr17-29422373-C-G.
Other names: c.46C>G, p.Arg16Gly (NM_000267.4, NM_001128147.3); short protein forms R16G.
Identifiers: ClinVar variation 2677203 (VCV002677203.3), dbSNP rs1057520334, ClinGen allele CA398979366.

ClinVar aggregate classification (germline): Uncertain significance. Review status: criteria provided, multiple submitters, no conflicts (2 of 4 stars). 3 submissions from 3 submitters: Uncertain significance (3). Last evaluated 2023-11-21.

Conditions:
Hereditary cancer-predisposing syndrome. Also called: Hereditary neoplastic syndrome; Tumor predisposition; Hereditary Cancer Syndrome; Neoplastic Syndromes, Hereditary. Identifiers: Orphanet 140162, MedGen C0027672, MeSH D009386, MONDO:0015356.
Cardiovascular phenotype. Identifiers: MedGen CN230736.
Juvenile myelomonocytic leukemia (JMML). Also called: LEUKEMIA, JUVENILE MYELOMONOCYTIC, SOMATIC. Identifiers: Orphanet 86834, MedGen C0349639, MONDO:0011908, OMIM 607785, HP:0012209.

Submissions (3):

Ambry Genetics
Classification: Uncertain significance for Cardiovascular phenotype; Hereditary cancer-predisposing syndrome. Last evaluated: 2023-11-21. Review status: criteria provided, single submitter. Criteria: Ambry Variant Classification Scheme 2023. Collection method: clinical testing. Allele origin: germline.
Comment: The p.R16G variant (also known as c.46C>G), located in coding exon 1 of the NF1 gene, results from a C to G substitution at nucleotide position 46. The arginine at codon 16 is replaced by glycine, an amino acid with dissimilar properties. This amino acid position is highly conserved in available vertebrate species. In addition, the in silico prediction for this alteration is inconclusive. Since supporting evidence is limited at this time, the clinical significance of this alteration remains unclear.

Baylor Genetics
Classification: Uncertain significance for Juvenile myelomonocytic leukemia. Last evaluated: 2023-07-14. Review status: criteria provided, single submitter. Criteria: ACMG Guidelines, 2015. Collection method: clinical testing. Allele origin: unknown.

Blueprint Genetics
Classification: Uncertain significance. Last evaluated: 2022-04-20. Review status: criteria provided, single submitter. Criteria: ACMG Guidelines, 2015. Collection method: clinical testing. Allele origin: germline.